The following is an entry in ClinVar:

NM_001042646.3(TRAK1):c.210C>G (p.Leu70=)

Gene: TRAK1 (trafficking kinesin protein 1; plus strand). Cytogenetic location: 3p22.1.
Variant type: single nucleotide variant.
Coding change: c.210C>G on transcript NM_001042646.3 (MANE Select); coding-DNA position 210, C replaced by G.
Protein change: p.Leu70=; no amino-acid change (leucine 70 retained).
Molecular consequence: synonymous variant. On other transcripts: 5 prime UTR variant (1), non-coding transcript variant (1).
Genome position (GRCh38, 1-based): chr3:42,125,538, C>G. VCF-style: chr3-42125538-C-G. GRCh37 (hg19) VCF-style: chr3-42167030-C-G.
Other names: c.210C>G, p.Leu70= (NM_001265608.2, NM_001349246.2, NM_001349247.2); c.-103C>G (NM_001349245.1).
Identifiers: ClinVar variation 2653701 (VCV002653701.22), dbSNP rs1710442494, ClinGen allele CA433305470.
Genomic context (GRCh38, chr3:42,125,538, plus strand): 5'-GCTGCCCCATTATAAGTTAAGAGCCGACACCATCTACGGTTATGACCACGACGACTGGCT[C>G]CATACACCTCTCATTTCTCCAGATGCCAACATTGACCTCACAACCGAGCAAATTGAAGAG-3'
Protein context (NP_001036111.1, residues 60-80): TIYGYDHDDW[Leu70=]HTPLISPDAN

ClinVar aggregate classification (germline): Likely benign (1 of 4 stars; one submission).

Allele frequency attached by ClinVar (database versions not stated): gnomAD exomes below 0.00001.
gnomAD v4.1: 2 of 1,614,198 alleles (0.00012%); highest among the groups gnomAD compares: Non-Finnish European, 0.00017%; no homozygotes.

Submission:

CeGaT Center for Human Genetics Tuebingen
Classification: Likely benign. Last evaluated: 2022-05-01. Review status: criteria provided, single submitter. Criteria: CeGaT Center For Human Genetics Tuebingen Variant Classification Criteria Version 2. Collection method: clinical testing. Allele origin: germline. Affected: yes. Observed: 1 variant allele.
Comment: TRAK1: PM2:Supporting, BP4, BP7